The following is an entry in ClinVar:

NM_000051.4(ATM):c.2193del (p.Cys730_Tyr731insTer)

Gene: ATM (ATM serine/threonine kinase; plus strand). Cytogenetic location: 11q22.3.
Variant type: Deletion.
Coding change: c.2193del on transcript NM_000051.4 (MANE Select); coding-DNA position 2193, one base deleted (C; older notation c.2193delC).
Protein change: p.Cys730_Tyr731insTer.
Molecular consequence: nonsense.
Genome position (GRCh38, 1-based): chr11:108,256,283, C deleted. VCF-style (leftmost placement, unchanged base first): chr11-108256282-AC-A. GRCh37 (hg19) VCF-style: chr11-108127009-AC-A.
Other names: c.2193del, p.Cys730_Tyr731insTer (NM_001351834.2).
Identifiers: ClinVar variation 944048 (VCV000944048.10), dbSNP rs2080479088, ClinGen allele CA476672523.
Genomic context (GRCh38, chr11:108,256,282, plus strand): 5'-ATTCAGAAACTCTTGTCCGGTGTTCACGTCTTTTGGTGGGTGTCCTTGGCTGCTACTGTT[AC>A]ATGGGTGTAATAGCTGAAGAGGAAGCATATAAGTCAGAATTATTCCAGAAAGCCAAGGTA-3'

ClinVar aggregate classification (germline): Pathogenic. Review status: criteria provided, multiple submitters, no conflicts (2 of 4 stars). 2 submissions from 2 submitters: Pathogenic (2). Last evaluated 2026-07-13.

Conditions:
Familial cancer of breast. Also called: Hereditary breast cancer; hereditary breast carcinoma; BREAST CANCER, FAMILIAL. Identifiers: Orphanet 227535, MedGen C0346153, MONDO:0016419, OMIM 114480. Disease mechanism: loss of function.
Ataxia-telangiectasia syndrome (AT). Also called: Ataxia-telangiectasia, complementation group D; AT, COMPLEMENTATION GROUP C; ATAXIA-TELANGIECTASIA, COMPLEMENTATION GROUP A; ATAXIA-TELANGIECTASIA, FRESNO VARIANT; Ataxia-telangiectasia; LOUIS-BAR SYNDROME. Identifiers: Orphanet 100, MedGen C0004135, MONDO:0008840, OMIM 208900.

Submissions (2):

Myriad Genetics, Inc.
Classification: Pathogenic for Familial cancer of breast. Last evaluated: 2026-07-13. Review status: criteria provided, single submitter. Criteria: Myriad Autosomal Dominant, Autosomal Recessive and X-Linked Classification Criteria (2023). Collection method: clinical testing. Allele origin: unknown.
Comment: This variant is considered pathogenic. This variant creates a termination codon and is predicted to result in premature protein truncation.

Labcorp Genetics (formerly Invitae), Labcorp
Classification: Pathogenic for Ataxia-telangiectasia syndrome. Last evaluated: 2026-01-25. Review status: criteria provided, single submitter. Criteria: Invitae Variant Classification Sherloc (09022015). Collection method: clinical testing. Allele origin: germline.
Comment: This sequence change creates a premature translational stop signal (p.Tyr731*) in the ATM gene. It is expected to result in an absent or disrupted protein product. Loss-of-function variants in ATM are known to be pathogenic (PMID: 23807571, 25614872). This variant is not present in population databases (gnomAD no frequency). This premature translational stop signal has been observed in individual(s) with ataxia telangiectasia and breast cancer (PMID: 12655570, 29506079). ClinVar contains an entry for this variant (Variation ID: 944048). For these reasons, this variant has been classified as Pathogenic.

Literature cited by the submitters: PubMed 23807571 (cited by Labcorp Genetics (formerly Invitae), Labcorp); PubMed 25614872 (cited by Labcorp Genetics (formerly Invitae), Labcorp); PubMed 12655570 (cited by Labcorp Genetics (formerly Invitae), Labcorp); PubMed 29506079 (cited by Labcorp Genetics (formerly Invitae), Labcorp).